The following is an entry in ClinVar:

ClinVar aggregate classification (germline): Likely pathogenic (1 of 4 stars; one submission).

Conditions:
Neuronopathy, distal hereditary motor, autosomal recessive 8. Also called: SORBITOL DEHYDROGENASE DEFICIENCY WITH PERIPHERAL NEUROPATHY; SORBITOL DEHYDROGENASE DEFICIENCY; NEUROPATHY, DISTAL HEREDITARY MOTOR, AUTOSOMAL RECESSIVE 8. Identifiers: Orphanet 700508, MedGen C5394466, MONDO:0030055, OMIM 618912.

Submission:

Victorian Clinical Genetics Services, Murdoch Childrens Research Institute
Classification: Likely pathogenic for Neuronopathy, distal hereditary motor, autosomal recessive 8. Last evaluated: 2023-07-17. Review status: criteria provided, single submitter. Criteria: ACMG Guidelines, 2015. Collection method: clinical testing. Allele origin: germline. Inheritance: Autosomal recessive inheritance. Affected: yes.
Comment: Based on the classification scheme VCGS_Germline_v1.3.4, this variant is classified as Likely pathogenic. Following criteria are met: 0102 - Loss of function is a known mechanism of disease in this gene and is associated with sorbitol dehydrogenase deficiency with peripheral neuropathy (MIM#618912). (I) 0106 - This gene is associated with autosomal recessive disease. (I) 0204 - Variant is predicted to result in a truncated protein (premature termination codon is located within the first 100 nucleotides of the coding sequence and is predicted to escape nonsense-mediated decay. (SP) 0251 - This variant is heterozygous. (I) 0304 - Variant is present in gnomAD <0.01 for a recessive condition (v2: 1 heterozygote, 0 homozygotes). (SP) 0705 - No comparable variants have previous evidence for pathogenicity. There are currently no reports of other premature termination codon variants which are located within the first 100 nucleotides of the coding sequence. (I) 0807 - This variant has no previous evidence of pathogenicity. (I) 0905 - No published segregation evidence has been identified for this variant. (I) 1007 - No published functional evidence has been identified for this variant. (I) 1201 - Heterozygous variant detected in trans with a pathogenic heterozygous variant (NM_003104.5:c.757delG; p.(Ala253Glnfs*27))in a recessive disease. (I) Legend: (SP) - Supporting pathogenic, (I) - Information, (SB) - Supporting benign

NM_003104.6(SORD):c.73_88del (p.Tyr25fs)

Gene: SORD (sorbitol dehydrogenase; plus strand). Cytogenetic location: 15q21.1.
Variant type: Deletion.
Coding change: c.73_88del on transcript NM_003104.6 (MANE Select); coding-DNA positions 73 to 88, 16 bases deleted (TATCCTATCCCTGAAC).
Protein change: p.Tyr25fs; shifts the reading frame from tyrosine 25.
Molecular consequence: frameshift variant. On other transcripts: non-coding transcript variant (1).
Genome position (GRCh38, 1-based): chr15:45,040,414-45,040,429, TATCCTATCCCTGAAC deleted; deleting any 16 consecutive bases within chr15:45,040,410-45,040,429 gives the same sequence; the c. name uses the placement nearest the transcript's 3' end. VCF-style (leftmost placement, unchanged base first): chr15-45040409-AGAACTATCCTATCCCT-A. GRCh37 (hg19) VCF-style: chr15-45332607-AGAACTATCCTATCCCT-A.
Other names: short protein forms Y25fs.
Identifiers: ClinVar variation 1805124 (VCV001805124.2), dbSNP rs925016698, ClinGen allele CA270118080.